The following is an entry in ClinVar:

ClinVar aggregate classification (germline): Benign/Likely benign. Review status: criteria provided, multiple submitters, no conflicts (2 of 4 stars). 11 submissions from 11 submitters: Benign (2); Likely benign (8). 1 of the submissions does not count toward it. Last evaluated 2026-09-01.

Conditions:
Cardiovascular phenotype. Identifiers: MedGen CN230736.
Distal myopathy with posterior leg and anterior hand involvement. Also called: WILLIAMS DISTAL MYOPATHY. Identifiers: Orphanet 63273, MedGen C3279722, MONDO:0013550, OMIM 614065.
Hypertrophic cardiomyopathy 26. Also called: Cardiomyopathy, familial hypertrophic, 26. Identifiers: Orphanet 75249, MedGen C4310749, MONDO:0014883, OMIM 617047.
Myofibrillar myopathy 5. Also called: Filaminopathy (type); FILAMINOPATHY, AUTOSOMAL DOMINANT. Identifiers: Orphanet 171445, MedGen C1836050, MONDO:0012289, OMIM 609524.
FLNC-related disorder. Also called: FLNC-related condition; FLNC-related disorders.

Allele frequency attached by ClinVar (database versions not stated): 1000 Genomes Project 30x 0.00016; 1000 Genomes Project 0.00020; TOPMed 0.00048; gnomAD exomes 0.00066 and 0.00067; ExAC 0.00067; ESP Exome Variant Server 0.00069; gnomAD 0.00085 and 0.00090.
gnomAD v4.1: 1,077 of 1,613,912 alleles (0.067%); highest among the groups gnomAD compares: Non-Finnish European, 0.079%; 2 homozygotes.

Submissions (11):

CeGaT Center for Human Genetics Tuebingen
Classification: Likely benign. Last evaluated: 2026-09-01. Review status: criteria provided, single submitter. Criteria: CeGaT Center For Human Genetics Tuebingen Variant Classification Criteria Version 2. Collection method: clinical testing. Allele origin: germline. Affected: yes. Observed: 18 variant alleles.
Comment: FLNC: BP4, BP7

Labcorp Genetics (formerly Invitae), Labcorp
Classification: Benign for Distal myopathy with posterior leg and anterior hand involvement; Myofibrillar myopathy 5; Hypertrophic cardiomyopathy 26. Last evaluated: 2026-02-03. Review status: criteria provided, single submitter. Criteria: Invitae Variant Classification Sherloc (09022015). Collection method: clinical testing. Allele origin: germline.

Mayo Clinic Laboratories, Mayo Clinic
Classification: Likely benign. Last evaluated: 2025-08-02. Review status: criteria provided, single submitter. Criteria: ACMG Guidelines, 2015. Collection method: clinical testing. Allele origin: germline. Observed: 4 variant alleles.
Comment: BS1, BP4, BP7

Molecular Diagnostic Laboratory for Inherited Cardiovascular Disease, Montreal Heart Institute
Classification: Likely benign. Last evaluated: 2025-04-09. Review status: criteria provided, single submitter. Criteria: ACMG Guidelines, 2015. Collection method: clinical testing. Allele origin: germline. Affected: no.

Women's Health and Genetics/Laboratory Corporation of America, LabCorp
Classification: Benign. Last evaluated: 2025-04-07. Review status: criteria provided, single submitter. Criteria: LabCorp Variant Classification Summary - May 2015. Collection method: clinical testing. Allele origin: germline.

Laboratory of Genetics, Children's Clinical University Hospital Latvia
Classification: Likely benign. Last evaluated: 2025-02-16. Review status: criteria provided, single submitter. Criteria: ACMG Guidelines, 2015. Collection method: clinical testing. Allele origin: germline. Affected: yes.

Blueprint Genetics
Classification: Likely benign. Last evaluated: 2024-11-25. Review status: criteria provided, single submitter. Criteria: ACMG Guidelines, 2015. Collection method: clinical testing. Allele origin: germline.

Fulgent Genetics
Classification: Likely benign for Myofibrillar myopathy 5; Distal myopathy with posterior leg and anterior hand involvement; Hypertrophic cardiomyopathy 26. Last evaluated: 2022-03-31. Review status: criteria provided, single submitter. Criteria: ACMG Guidelines, 2015. Collection method: clinical testing. Allele origin: unknown.

GeneDx
Classification: Likely benign. Last evaluated: 2021-04-19. Review status: criteria provided, single submitter. Criteria: GeneDx Variant Classification Process June 2021. Collection method: clinical testing. Allele origin: germline. Affected: yes.

Ambry Genetics
Classification: Likely benign for Cardiovascular phenotype. Last evaluated: 2019-04-14. Review status: criteria provided, single submitter. Criteria: Ambry Variant Classification Scheme 2023. Collection method: clinical testing. Allele origin: germline.

PreventionGenetics, part of Exact Sciences
Classification: Likely benign for FLNC-related condition. Last evaluated: 2019-11-27. Review status: no assertion criteria provided. Collection method: clinical testing. Allele origin: germline. Not counted in ClinVar's aggregate classification.
Comment: This variant is classified as likely benign based on ACMG/AMP sequence variant interpretation guidelines (Richards et al. 2015 PMID: 25741868, with internal and published modifications).

NM_001458.5(FLNC):c.7185C>T (p.Ser2395=)

Genes: FLNC (filamin C; plus strand), FLNC-AS1 (FLNC antisense RNA 1; minus strand). Cytogenetic location: 7q32.1.
Variant type: single nucleotide variant.
Coding change: c.7185C>T on transcript NM_001458.5 (MANE Select); coding-DNA position 7185, C replaced by T.
Protein change: p.Ser2395=; no amino-acid change (serine 2395 retained).
Molecular consequence: synonymous variant.
Genome position (GRCh38, 1-based): chr7:128,855,248, C>T. VCF-style: chr7-128855248-C-T. GRCh37 (hg19) VCF-style: chr7-128495302-C-T.
Other names: p.Ser2395=; c.7086C>T, p.Ser2362= (NM_001127487.2).
Identifiers: ClinVar variation 472162 (VCV000472162.50), dbSNP rs199880128, ClinGen allele CA4476187.
Genomic context (GRCh38, chr7:128,855,248, plus strand): 5'-TCTCTCCCCAGGTGACTATGAGGTCTCCATCAAGTTCAATGATGAGCACATCCCAGACAG[C>T]CCCTTTGTGGTGCCTGTGGCCTCCCTCTCGGATGACGCTCGCCGTCTCACTGTCACCAGC-3'
Protein context (NP_001449.3, residues 2385-2405): IKFNDEHIPD[Ser2395=]PFVVPVASLS